The following is an entry in ClinVar:

ClinVar aggregate classification (germline): Uncertain significance. Review status: criteria provided, multiple submitters, no conflicts (2 of 4 stars). 2 submissions from 2 submitters: Uncertain significance (2). Last evaluated 2025-12-02.

Conditions:
Inborn genetic diseases. Identifiers: MedGen C0950123, MeSH D030342.
Immunodeficiency, common variable, 7. Identifiers: Orphanet 1572, Orphanet 696894, MedGen C3542922, MONDO:0013862, OMIM 614699.

Allele frequency attached by ClinVar (database versions not stated): ExAC 0.00001; gnomAD 0.00001; gnomAD exomes 0.00001 and below 0.00001; TOPMed 0.00002; 1000 Genomes Project 30x 0.00016; 1000 Genomes Project 0.00020.
gnomAD v4.1: 11 of 1,614,080 alleles (0.00068%); highest among the groups gnomAD compares: African/African-American, 0.0013%; no homozygotes.

Submissions (2):

Ambry Genetics
Classification: Uncertain significance for Inborn genetic diseases. Last evaluated: 2025-12-02. Review status: criteria provided, single submitter. Criteria: Ambry Variant Classification Scheme 2023. Collection method: clinical testing. Allele origin: germline.

Labcorp Genetics (formerly Invitae), Labcorp
Classification: Uncertain significance for Immunodeficiency, common variable, 7. Last evaluated: 2022-10-05. Review status: criteria provided, single submitter. Criteria: Invitae Variant Classification Sherloc (09022015). Collection method: clinical testing. Allele origin: germline.
Comment: This sequence change replaces glutamine, which is neutral and polar, with arginine, which is basic and polar, at codon 1011 of the CR2 protein (p.Gln1011Arg). The frequency data for this variant in the population databases is considered unreliable, as metrics indicate poor data quality at this position in the gnomAD database. This variant has not been reported in the literature in individuals affected with CR2-related conditions. ClinVar contains an entry for this variant (Variation ID: 1379624). Algorithms developed to predict the effect of missense changes on protein structure and function (SIFT, PolyPhen-2, Align-GVGD) all suggest that this variant is likely to be tolerated. In summary, the available evidence is currently insufficient to determine the role of this variant in disease. Therefore, it has been classified as a Variant of Uncertain Significance.

NM_001006658.3(CR2):c.3032A>G (p.Gln1011Arg)

Gene: CR2 (complement C3d receptor 2; plus strand). Cytogenetic location: 1q32.2.
Variant type: single nucleotide variant.
Coding change: c.3032A>G on transcript NM_001006658.3 (MANE Select); coding-DNA position 3032, A replaced by G.
Protein change: p.Gln1011Arg; replaces glutamine 1011 with arginine.
Molecular consequence: missense variant.
Genome position (GRCh38, 1-based): chr1:207,478,014, A>G. VCF-style: chr1-207478014-A-G. GRCh37 (hg19) VCF-style: chr1-207651359-A-G.
Other names: c.3032A>G (NM_001006658.2); c.2855A>G, p.Gln952Arg (NM_001877.5); short protein forms Q952R, Q1011R.
Identifiers: ClinVar variation 1379624 (VCV001379624.6), dbSNP rs201641677, ClinGen allele CA1369107.
Genomic context (GRCh38, chr1:207,478,014, plus strand): 5'-AGTATGGAGCTGTTGTAACTCTGGAGTGTGAAGATGGGTATATGCTGGAAGGCAGTCCCC[A>G]GAGCCAGTGCCAATCGGATCACCAATGGAACCCTCCCCTGGCGGTTTGCAGATCCCGTAA-3'
Protein context (NP_001006659.1, residues 1001-1021): EDGYMLEGSP[Gln1011Arg]SQCQSDHQWN